The following is an entry in ClinVar:

NM_001377.3(DYNC2H1):c.8365T>C (p.Phe2789Leu)

Gene: DYNC2H1 (dynein cytoplasmic 2 heavy chain 1; plus strand). Cytogenetic location: 11q22.3.
Variant type: single nucleotide variant.
Coding change: c.8365T>C on transcript NM_001377.3 (MANE Select); coding-DNA position 8365, T replaced by C.
Protein change: p.Phe2789Leu; replaces phenylalanine 2789 with leucine.
Molecular consequence: missense variant.
Genome position (GRCh38, 1-based): chr11:103,204,875, T>C. VCF-style: chr11-103204875-T-C. GRCh37 (hg19) VCF-style: chr11-103075604-T-C.
Other names: c.8365T>C, p.Phe2789Leu (NM_001080463.2); short protein forms F2789L.
Identifiers: ClinVar variation 302070 (VCV000302070.23), dbSNP rs184910011, ClinGen allele CA6254448.
Genomic context (GRCh38, chr11:103,204,875, plus strand): 5'-TTCTTAGGAATTCAGCAAAACTTGCATATTGTCTTGATAATGGATTCTGCAAATTCAAAC[T>C]TCATGATAAACTGTGAGAGTAATCCAGCTTTGCATAAGAAATGCCAGGTGTTGTGGATGG-3'
Protein context (NP_001368.2, residues 2779-2799): VLIMDSANSN[Phe2789Leu]MINCESNPAL

ClinVar aggregate classification (germline): Conflicting classifications of pathogenicity. Review status: criteria provided, conflicting classifications (1 of 4 stars). 6 submissions from 6 submitters: Uncertain significance (4); Likely benign (1). 1 of the submissions does not count toward it. Last evaluated 2026-07-09.

Conditions:
Jeune thoracic dystrophy. Also called: Infantile thoracic dystrophy; Thoracic pelvic phalangeal dystrophy; Jeune's syndrome; Chondroectodermal dysplasia-like syndrome; Short-rib thoracic dysplasia; Jeune syndrome. Identifiers: Orphanet 474, MedGen C0265275, MONDO:0018770.
Retinal dystrophy. Also called: Inherited retinal dystrophy. Identifiers: Orphanet 71862, MedGen C0854723, MeSH D058499, MONDO:0019118, HP:0000556.
Asphyxiating thoracic dystrophy 3. Also called: SHORT-RIB THORACIC DYSPLASIA 3 WITH OR WITHOUT POLYDACTYLY; POLYDACTYLY WITH NEONATAL CHONDRODYSTROPHY, TYPE I; SHORT-RIB THORACIC DYSPLASIA 3/6 WITH POLYDACTYLY, DIGENIC; Short rib polydactyly syndrome 2B; Saldino-Noonan Syndrome. Identifiers: Orphanet 474, Orphanet 93269, Orphanet 93270, Orphanet 93271, MedGen C0036069, MONDO:0013127, OMIM 613091.

Allele frequency attached by ClinVar (database versions not stated): 1000 Genomes Project 30x 0.00016; 1000 Genomes Project 0.00020; gnomAD exomes 0.00022; TOPMed 0.00023; gnomAD 0.00028 and 0.00030; ExAC 0.00036; ESP Exome Variant Server 0.00042.
gnomAD v4.1: 499 of 1,591,152 alleles (0.031%); highest among the groups gnomAD compares: Non-Finnish European, 0.039%; no homozygotes.

Submissions (6):

GeneDx
Classification: Uncertain significance. Last evaluated: 2026-07-09. Review status: criteria provided, single submitter. Criteria: GeneDx Variant Classification Process June 2021. Collection method: clinical testing. Allele origin: germline.
Comment: In silico analysis supports that this missense variant has a deleterious effect on protein structure/function; This variant is associated with the following publications: (PMID: Moreno-GiraldoLJ223[CaseReport], 31308072)

Labcorp Genetics (formerly Invitae), Labcorp
Classification: Likely benign for Jeune thoracic dystrophy. Last evaluated: 2026-01-21. Review status: criteria provided, single submitter. Criteria: Invitae Variant Classification Sherloc (09022015). Collection method: clinical testing. Allele origin: germline.

Blueprint Genetics
Classification: Uncertain significance. Last evaluated: 2024-10-07. Review status: criteria provided, single submitter. Criteria: ACMG Guidelines, 2015. Collection method: clinical testing. Allele origin: germline.

Illumina Laboratory Services, Illumina
Classification: Uncertain significance for Asphyxiating thoracic dystrophy 3. Last evaluated: 2018-01-12. Review status: criteria provided, single submitter. Criteria: ICSL Variant Classification Criteria 13 December 2019. Collection method: clinical testing. Allele origin: germline.

ARUP Laboratories, Molecular Genetics and Genomics, ARUP Laboratories
Classification: Uncertain significance. Last evaluated: 2016-12-14. Review status: criteria provided, single submitter. Criteria: ARUP Molecular Germline Variant Investigation Process. Collection method: clinical testing. Allele origin: germline.

Institute of Human Genetics, Univ. Regensburg, Univ. Regensburg
Classification: Uncertain significance for Retinal dystrophy. Last evaluated: 2023-01-01. Review status: no assertion criteria provided. Criteria: ACMG Guidelines, 2015. Collection method: clinical testing. Allele origin: germline. Affected: yes. Not counted in ClinVar's aggregate classification.